The following is an entry in ClinVar:

ClinVar aggregate classification (germline): Likely benign (0 of 4 stars; one submission).

Conditions:
KRT3-related disorder. Also called: KRT3-related condition.

Allele frequency attached by ClinVar (database versions not stated): TOPMed 0.00006; ExAC 0.00011; gnomAD 0.00012; 1000 Genomes Project 30x 0.00031; 1000 Genomes Project 0.00040.
gnomAD v4.1: 147 of 1,613,988 alleles (0.0091%); highest among the groups gnomAD compares: East Asian, 0.049%; no homozygotes.

Submission:

PreventionGenetics, part of Exact Sciences
Classification: Likely benign for KRT3-related condition. Last evaluated: 2019-02-22. Review status: no assertion criteria provided. Collection method: clinical testing. Allele origin: germline.
Comment: This variant is classified as likely benign based on ACMG/AMP sequence variant interpretation guidelines (Richards et al. 2015 PMID: 25741868, with internal and published modifications).

NM_057088.3(KRT3):c.1248C>T (p.Ser416=)

Genes: KRT3 (keratin 3; minus strand), LOC126861527 (BRD4-independent group 4 enhancer GRCh37_chr12:53184490-53185689; plus strand). Cytogenetic location: 12q13.13.
Variant type: single nucleotide variant.
Coding change: c.1248C>T on transcript NM_057088.3 (MANE Select); coding-DNA position 1248, C replaced by T.
Protein change: p.Ser416=; no amino-acid change (serine 416 retained).
Molecular consequence: synonymous variant.
Genome position (GRCh38, 1-based): chr12:52,791,757, G>A on the plus strand (C>T on the coding strand, the complement: KRT3 is on the minus strand). VCF-style: chr12-52791757-G-A. GRCh37 (hg19) VCF-style: chr12-53185541-G-A.
Identifiers: ClinVar variation 3056671 (VCV003056671.2), dbSNP rs141642714, ClinGen allele CA6587972.